The following is an entry in ClinVar:

ClinVar aggregate classification (germline): Benign/Likely benign. Review status: criteria provided, multiple submitters, no conflicts (2 of 4 stars). 8 submissions from 7 submitters: Benign (6); Likely benign (1). 1 of the submissions does not count toward it. Last evaluated 2026-02-02.

Conditions:
Lymphoma, non-Hodgkin, familial. Identifiers: MedGen C4721532, MONDO:0011508, OMIM 605027.
Autoinflammatory syndrome. Identifiers: Orphanet 93665, MedGen C3890737, MONDO:0019751.
Familial hemophagocytic lymphohistiocytosis 2 (FHL2). Also called: PRF1-Related Familial Hemophagocytic Lymphohistiocytosis (PRF1-fHLH). Identifiers: Orphanet 540, MedGen C1863727, MONDO:0011337, OMIM 603553.

Allele frequency attached by ClinVar (database versions not stated): gnomAD 0.00782 and 0.00843; TOPMed 0.00899; 1000 Genomes Project 0.00958; 1000 Genomes Project 30x 0.00968; ESP Exome Variant Server 0.00976.
gnomAD v4.1: 2,297 of 1,613,732 alleles (0.14%); highest among the groups gnomAD compares: African/African-American, 2.8%; 35 homozygotes.

Submissions (8):

Labcorp Genetics (formerly Invitae), Labcorp
Classification: Benign for Familial hemophagocytic lymphohistiocytosis 2. Last evaluated: 2026-02-02. Review status: criteria provided, single submitter. Criteria: Invitae Variant Classification Sherloc (09022015). Collection method: clinical testing. Allele origin: germline.

KCCC/NGS Laboratory, Kuwait Cancer Control Center
Classification: Benign for Familial hemophagocytic lymphohistiocytosis 2. Last evaluated: 2025-02-01. Review status: criteria provided, single submitter. Criteria: ACMG Guidelines, 2015. Collection method: clinical testing. Allele origin: germline. Affected: no.

Mayo Clinic Laboratories, Mayo Clinic
Classification: Benign. Last evaluated: 2023-11-15. Review status: criteria provided, single submitter. Criteria: ACMG Guidelines, 2015. Collection method: clinical testing. Allele origin: germline. Observed: 7 variant alleles.
Comment: BS1, BS2, BP4, BP7

KCCC/NGS Laboratory, Kuwait Cancer Control Center
Classification: Benign for Lymphoma, non-Hodgkin, familial. Last evaluated: 2023-07-07. Review status: criteria provided, single submitter. Criteria: ACMG Guidelines, 2015. Collection method: clinical testing. Allele origin: germline. Affected: yes.

Genome Diagnostics Laboratory, The Hospital for Sick Children
Classification: Likely benign for Autoinflammatory syndrome. Last evaluated: 2022-01-21. Review status: criteria provided, single submitter. Criteria: ACMG Guidelines, 2015. Collection method: clinical testing. Allele origin: germline. Affected: yes.

Illumina Laboratory Services, Illumina
Classification: Benign for Familial hemophagocytic lymphohistiocytosis 2. Last evaluated: 2017-10-15. Review status: criteria provided, single submitter. Criteria: ICSL Variant Classification Criteria 13 December 2019. Collection method: clinical testing. Allele origin: germline.
Comment: This variant was observed as part of a predisposition screen in an ostensibly healthy population. A literature search was performed for the gene, cDNA change, and amino acid change (where applicable). Publications were found based on this search. The evidence from the literature, in combination with allele frequency data from public databases where available, was sufficient to rule this variant out of causing disease. Therefore, this variant is classified as benign.

Breakthrough Genomics
Classification: Benign. Review status: criteria provided, single submitter. Criteria: ACMG Guidelines, 2015. Collection method: not provided. Allele origin: germline. Inheritance: Autosomal recessive inheritance. Affected: yes.

Genetic Services Laboratory, University of Chicago
Classification: Benign. Last evaluated: 2022-08-24. Review status: no assertion criteria provided. Collection method: clinical testing. Allele origin: germline. Affected: no. Not counted in ClinVar's aggregate classification.

Literature cited by the submitters: PubMed 16860143 (cited by Illumina Laboratory Services, Illumina).

NM_001083116.3(PRF1):c.702G>A (p.Ser234=)

Gene: PRF1 (perforin 1; minus strand). Cytogenetic location: 10q22.1.
Variant type: single nucleotide variant.
Coding change: c.702G>A on transcript NM_001083116.3 (MANE Select); coding-DNA position 702, G replaced by A.
Protein change: p.Ser234=; no amino-acid change (serine 234 retained).
Molecular consequence: synonymous variant.
Genome position (GRCh38, 1-based): chr10:70,599,019, C>T on the plus strand (G>A on the coding strand, the complement: PRF1 is on the minus strand). VCF-style: chr10-70599019-C-T. GRCh37 (hg19) VCF-style: chr10-72358775-C-T.
Other names: p.Ser234=; c.702G>A (NM_005041.4); c.702G>A, p.Ser234= (NM_005041.6).
Identifiers: ClinVar variation 468309 (VCV000468309.23), dbSNP rs138508223, ClinGen allele CA5538940.